The following is an entry in ClinVar:

Single allele

Genes: MPZ (myelin protein zero; minus strand), SDHC (succinate dehydrogenase complex subunit C; plus strand). Cytogenetic location: 1q23.3.
Variant type: Deletion.
Identifiers: ClinVar variation 243060 (VCV000243060.1).

ClinVar aggregate classification (germline): Likely pathogenic (1 of 4 stars; one submission).

Conditions:
Charcot-Marie-Tooth disease type 1B. Also called: CHARCOT-MARIE-TOOTH DISEASE, AUTOSOMAL DOMINANT, WITH FOCALLY FOLDED MYELIN SHEATHS, TYPE 1B; CHARCOT-MARIE-TOOTH DISEASE, SLOW NERVE CONDUCTION TYPE, LINKED TO DUFFY; CHARCOT-MARIE-TOOTH NEUROPATHY, TYPE 1B; HEREDITARY MOTOR AND SENSORY NEUROPATHY I; HEREDITARY MOTOR AND SENSORY NEUROPATHY IB; Charcot-Marie-Tooth disease, demyelinating, type 1b. Identifiers: Orphanet 101082, MedGen C0270912, MONDO:0007307, OMIM 118200.

Submission:

Lupski Lab, Baylor-Hopkins CMG, Baylor College of Medicine
Classification: Likely pathogenic for Charcot-Marie-Tooth disease type 1B. Last evaluated: 2015-09-17. Review status: criteria provided, single submitter. Criteria: Pehlivan et al. (Genet Med. 2016). Collection method: research. Allele origin: germline. Inheritance: Autosomal dominant inheritance. Affected: yes.